The following is an entry in ClinVar:

NM_032436.4(CHAMP1):c.2066_2067insCCTT (p.Lys689fs)

Gene: CHAMP1 (chromosome alignment maintaining phosphoprotein 1; plus strand). Cytogenetic location: 13q34.
Variant type: Insertion.
Coding change: c.2066_2067insCCTT on transcript NM_032436.4 (MANE Select); coding-DNA positions 2066 to 2067, CCTT inserted.
Protein change: p.Lys689fs; shifts the reading frame from lysine 689.
Molecular consequence: frameshift variant.
Genome position: GRCh38 VCF-style: chr13-114325908-A-ACCTT. GRCh37 (hg19) VCF-style: chr13-115091383-A-ACCTT.
Other names: c.2066_2067insCCTT, p.Lys689fs (NM_001164144.3, NM_001164145.3); short protein forms K689fs.
Identifiers: ClinVar variation 3362040 (VCV003362040.1).
Genomic context (GRCh38, chr13:114,325,908, plus strand): 5'-ACAAAATGGACATGACTAGTCCAGAGCAGTCTAGAAATGTGCTACAGTTTACTGAAGAAA[A>ACCTT]AGAAGCTTTTATCTCTGAAGAGGAGATTGCAAAATACATGAAGCGTGGAAAAGGAAAGTA-3'

ClinVar aggregate classification (germline): Likely pathogenic (1 of 4 stars; one submission).

Submission:

GeneDx
Classification: Likely pathogenic. Last evaluated: 2024-02-01. Review status: criteria provided, single submitter. Criteria: GeneDx Variant Classification Process June 2021. Collection method: clinical testing. Allele origin: germline. Affected: yes.
Comment: Frameshift variant predicted to result in protein truncation, as the last 124 amino acids are replaced with 7 different amino acids, and other loss-of-function variants have been reported downstream in HGMD; Not observed at significant frequency in large population cohorts (gnomAD); Has not been previously published as pathogenic or benign to our knowledge